The following is an entry in ClinVar:

ClinVar aggregate classification (germline): Uncertain significance (1 of 4 stars; one submission).

Submission:

Labcorp Genetics (formerly Invitae), Labcorp
Classification: Uncertain significance. Last evaluated: 2025-12-28. Review status: criteria provided, single submitter. Criteria: Invitae Variant Classification Sherloc (09022015). Collection method: clinical testing. Allele origin: germline.
Comment: This sequence change replaces asparagine, which is neutral and polar, with aspartic acid, which is acidic and polar, at codon 915 of the RNF31 protein (p.Asn915Asp). This variant is not present in population databases (gnomAD no frequency). This variant has not been reported in the literature in individuals affected with RNF31-related conditions. An algorithm developed to predict the effect of missense changes on protein structure and function (PolyPhen-2) suggests that this variant is likely to be tolerated. In summary, the available evidence is currently insufficient to determine the role of this variant in disease. Therefore, it has been classified as a Variant of Uncertain Significance.

NM_017999.5(RNF31):c.2743A>G (p.Asn915Asp)

Gene: RNF31 (ring finger protein 31; plus strand). Cytogenetic location: 14q12.
Variant type: single nucleotide variant.
Coding change: c.2743A>G on transcript NM_017999.5 (MANE Select); coding-DNA position 2743, A replaced by G.
Protein change: p.Asn915Asp; replaces asparagine 915 with aspartic acid.
Molecular consequence: missense variant.
Genome position (GRCh38, 1-based): chr14:24,157,913, A>G. VCF-style: chr14-24157913-A-G. GRCh37 (hg19) VCF-style: chr14-24627122-A-G.
Other names: c.2290A>G, p.Asn764Asp (NM_001310332.2); short protein forms N764D, N915D.
Identifiers: ClinVar variation 4806196 (VCV004806196.1).